The following is an entry in ClinVar:

ClinVar aggregate classification (germline): Uncertain significance (1 of 4 stars; one submission).

Conditions:
Inborn genetic diseases. Identifiers: MedGen C0950123, MeSH D030342.

Submission:

Ambry Genetics
Classification: Uncertain significance for Inborn genetic diseases. Last evaluated: 2025-07-18. Review status: criteria provided, single submitter. Criteria: Ambry Variant Classification Scheme 2023. Collection method: clinical testing. Allele origin: germline.
Comment: The p.D439G variant (also known as c.1316A>G), located in coding exon 15 of the RTEL1 gene, results from an A to G substitution at nucleotide position 1316. The aspartic acid at codon 439 is replaced by glycine, an amino acid with similar properties. This amino acid position is conserved. In addition, the in silico prediction for this alteration is inconclusive. Based on the available evidence, the clinical significance of this variant remains unclear.

NM_001283009.2(RTEL1):c.1316A>G (p.Asp439Gly)

Genes: RTEL1 (regulator of telomere elongation helicase 1; plus strand), RTEL1-TNFRSF6B (RTEL1-TNFRSF6B readthrough (NMD candidate); plus strand). Cytogenetic location: 20q13.33.
Variant type: single nucleotide variant.
Coding change: c.1316A>G on transcript NM_001283009.2 (MANE Select); coding-DNA position 1316, A replaced by G.
Protein change: p.Asp439Gly; replaces aspartic acid 439 with glycine.
Molecular consequence: missense variant. On other transcripts: non-coding transcript variant (1).
Genome position (GRCh38, 1-based): chr20:63,685,840, A>G. VCF-style: chr20-63685840-A-G. GRCh37 (hg19) VCF-style: chr20-62317193-A-G.
Other names: c.647A>G, p.Asp216Gly (NM_001283010.1); c.1316A>G, p.Asp439Gly (NM_016434.4); c.1388A>G, p.Asp463Gly (NM_032957.5); short protein forms D216G, D439G, D463G.
Identifiers: ClinVar variation 4157610 (VCV004157610.1).